The following is an entry in ClinVar:

ClinVar aggregate classification (germline): Pathogenic. Review status: criteria provided, multiple submitters, no conflicts (2 of 4 stars). 4 submissions from 4 submitters: Pathogenic (4). Last evaluated 2024-11-18.

Conditions:
Cardiomyopathy (CMYO). Also called: Cardiomyopathies. Identifiers: Orphanet 167848, MedGen C0878544, MONDO:0004994, HP:0001638. Inheritance: Various modes of inheritance.
Hypertrophic cardiomyopathy. Also called: HYPERTROPHIC MYOCARDIOPATHY. Identifiers: Orphanet 217569, MedGen C0007194, MeSH D002312, MONDO:0005045, HP:0001639.

Allele frequency attached by ClinVar (database versions not stated): gnomAD exomes below 0.00001.

Submissions (4):

Labcorp Genetics (formerly Invitae), Labcorp
Classification: Pathogenic for Hypertrophic cardiomyopathy. Last evaluated: 2024-11-18. Review status: criteria provided, single submitter. Criteria: Invitae Variant Classification Sherloc (09022015). Collection method: clinical testing. Allele origin: germline.
Comment: This sequence change creates a premature translational stop signal (p.Met632Argfs*31) in the MYBPC3 gene. It is expected to result in an absent or disrupted protein product. Loss-of-function variants in MYBPC3 are known to be pathogenic (PMID: 19574547). This variant is not present in population databases (gnomAD no frequency). This premature translational stop signal has been observed in individual(s) with hypertrophic cardiomyopathy (PMID: 25611685). ClinVar contains an entry for this variant (Variation ID: 42581). For these reasons, this variant has been classified as Pathogenic.

GeneDx
Classification: Pathogenic. Last evaluated: 2022-02-28. Review status: criteria provided, single submitter. Criteria: GeneDx Variant Classification Process June 2021. Collection method: clinical testing. Allele origin: germline. Affected: yes.
Comment: Not observed at significant frequency in large population cohorts (gnomAD); Frameshift variant predicted to result in protein truncation or nonsense mediated decay in a gene for which loss-of-function is a known mechanism of disease; This variant is associated with the following publications: (PMID: 27532257, 25611685)

CHEO Genetics Diagnostic Laboratory, Children's Hospital of Eastern Ontario
Classification: Pathogenic for Cardiomyopathy. Last evaluated: 2017-02-09. Review status: criteria provided, single submitter. Criteria: ACMG Guidelines, 2015. Collection method: clinical testing. Allele origin: germline. Study: Canadian Open Genetics Repository.

Laboratory for Molecular Medicine, Mass General Brigham Personalized Medicine
Classification: Pathogenic for Hypertrophic cardiomyopathy. Last evaluated: 2011-11-08. Review status: criteria provided, single submitter. Criteria: LMM Criteria. Collection method: clinical testing. Allele origin: germline. Observed: 6 variant alleles.
Comment: The Met632fs variant has not been reported in the literature. This variant has b een identified by our laboratory in two probands with HCM and has segregated wit h disease in two affected family members. In addition, this variant is predicted to cause a frameshift, which alters the protein's amino acid sequence beginning at codon 632 and leads to a premature stop codon 31 amino acids downstream. Thi s alteration is then predicted to lead to a truncated or absent protein. Loss of function of the MYBPC3 gene is an established disease mechanism in HCM. Therefo re, the Met632fs variant meets our criteria for pathogenicity.

Literature cited by the submitters: PubMed 19574547 (cited by Labcorp Genetics (formerly Invitae), Labcorp); PubMed 25611685 (cited by Labcorp Genetics (formerly Invitae), Labcorp).

NC_000011.10:g.47341140del

Gene: MYBPC3 (myosin binding protein C3; minus strand). Cytogenetic location: 11p11.2.
Variant type: Deletion.
Genome position: GRCh38 VCF-style: chr11-47341139-CA-C. GRCh37 (hg19) VCF-style: chr11-47362690-CA-C.
Other names: c.1895del, p.Met632fs (LRG_386t1); c.1895delT (NM_000256.3).
Identifiers: ClinVar variation 42581 (VCV000042581.16), dbSNP rs397515934, ClinGen allele CA011407.